The following is an entry in ClinVar:

NM_004239.4(TRIP11):c.3514G>A (p.Glu1172Lys)

Gene: TRIP11 (thyroid hormone receptor interactor 11; minus strand). Cytogenetic location: 14q32.12.
Variant type: single nucleotide variant.
Coding change: c.3514G>A on transcript NM_004239.4 (MANE Select); coding-DNA position 3514, G replaced by A.
Protein change: p.Glu1172Lys; replaces glutamic acid 1172 with lysine.
Molecular consequence: missense variant.
Genome position (GRCh38, 1-based): chr14:92,004,462, C>T on the plus strand (G>A on the coding strand, the complement: TRIP11 is on the minus strand). VCF-style: chr14-92004462-C-T. GRCh37 (hg19) VCF-style: chr14-92470806-C-T.
Other names: c.3511G>A, p.Glu1171Lys (NM_001321851.1); c.3514G>A (NM_004239.3); short protein forms E1172K, E1171K.
Identifiers: ClinVar variation 1395153 (VCV001395153.11), dbSNP rs145498019, ClinGen allele CA7313616.

ClinVar aggregate classification (germline): Uncertain significance. Review status: criteria provided, multiple submitters, no conflicts (2 of 4 stars). 3 submissions from 3 submitters: Uncertain significance (3). Last evaluated 2025-12-04.

Conditions:
Achondrogenesis, type IA (ACG1A). Identifiers: Orphanet 932, Orphanet 93299, MedGen C0265273, MONDO:0008701, OMIM 200600.
Inborn genetic diseases. Identifiers: MedGen C0950123, MeSH D030342.

Allele frequency attached by ClinVar (database versions not stated): ExAC 0.00004; gnomAD exomes 0.00005 and 0.00011; gnomAD 0.00007; ESP Exome Variant Server 0.00008; TOPMed 0.00008.
gnomAD v4.1: 176 of 1,613,552 alleles (0.011%); highest among the groups gnomAD compares: Non-Finnish European, 0.013%; no homozygotes.

Submissions (3):

Ambry Genetics
Classification: Uncertain significance for Inborn genetic diseases. Last evaluated: 2025-12-04. Review status: criteria provided, single submitter. Criteria: Ambry Variant Classification Scheme 2023. Collection method: clinical testing. Allele origin: germline.

Labcorp Genetics (formerly Invitae), Labcorp
Classification: Uncertain significance for Achondrogenesis, type IA. Last evaluated: 2025-02-22. Review status: criteria provided, single submitter. Criteria: Invitae Variant Classification Sherloc (09022015). Collection method: clinical testing. Allele origin: germline.
Comment: This sequence change replaces glutamic acid, which is acidic and polar, with lysine, which is basic and polar, at codon 1172 of the TRIP11 protein (p.Glu1172Lys). This variant is present in population databases (rs145498019, gnomAD 0.01%). This variant has not been reported in the literature in individuals affected with TRIP11-related conditions. ClinVar contains an entry for this variant (Variation ID: 1395153). Invitae Evidence Modeling of protein sequence and biophysical properties (such as structural, functional, and spatial information, amino acid conservation, physicochemical variation, residue mobility, and thermodynamic stability) has been performed for this missense variant. However, the output from this modeling did not meet the statistical confidence thresholds required to predict the impact of this variant on TRIP11 protein function. In summary, the available evidence is currently insufficient to determine the role of this variant in disease. Therefore, it has been classified as a Variant of Uncertain Significance.

Blueprint Genetics
Classification: Uncertain significance. Last evaluated: 2022-11-29. Review status: criteria provided, single submitter. Criteria: ACMG Guidelines, 2015. Collection method: clinical testing. Allele origin: germline.